The following is an entry in ClinVar:

ClinVar aggregate classification (germline): Uncertain significance (1 of 4 stars; one submission).

Allele frequency attached by ClinVar (database versions not stated): gnomAD exomes below 0.00001; gnomAD 0.00002; TOPMed 0.00003.
gnomAD v4.1: 6 of 1,611,316 alleles (0.00037%); highest among the groups gnomAD compares: African/African-American, 0.0054%; no homozygotes.

Submission:

Labcorp Genetics (formerly Invitae), Labcorp
Classification: Uncertain significance. Last evaluated: 2022-12-29. Review status: criteria provided, single submitter. Criteria: Invitae Variant Classification Sherloc (09022015). Collection method: clinical testing. Allele origin: germline.
Comment: In summary, the available evidence is currently insufficient to determine the role of this variant in disease. Therefore, it has been classified as a Variant of Uncertain Significance. Algorithms developed to predict the effect of sequence changes on RNA splicing suggest that this variant may disrupt the consensus splice site. This variant has not been reported in the literature in individuals affected with KIF23-related conditions. This variant is present in population databases (no rsID available, gnomAD 0.007%). This sequence change affects codon 425 of the KIF23 mRNA. It is a 'silent' change, meaning that it does not change the encoded amino acid sequence of the KIF23 protein.

NM_001367805.3(KIF23):c.1317A>G (p.Gln439=)

Gene: KIF23 (kinesin family member 23; plus strand). Cytogenetic location: 15q23.
Variant type: single nucleotide variant.
Coding change: c.1317A>G on transcript NM_001367805.3 (MANE Select); coding-DNA position 1317, A replaced by G.
Protein change: p.Gln439=; no amino-acid change (glutamine 439 retained).
Molecular consequence: synonymous variant. On other transcripts: non-coding transcript variant (2).
Genome position (GRCh38, 1-based): chr15:69,436,140, A>G. VCF-style: chr15-69436140-A-G. GRCh37 (hg19) VCF-style: chr15-69728479-A-G.
Other names: c.945A>G, p.Gln315= (NM_001281301.2); c.1275A>G, p.Gln425= (NM_001367804.2, NM_004856.7, NM_138555.4).
Identifiers: ClinVar variation 2961575 (VCV002961575.3), dbSNP rs1014182728, ClinGen allele CA272522836.